The following is an entry in ClinVar:

NM_000426.4(LAMA2):c.6000del (p.Arg2001fs)

Gene: LAMA2 (laminin subunit alpha 2; plus strand). Cytogenetic location: 6q22.33.
Variant type: Deletion.
Coding change: c.6000del on transcript NM_000426.4 (MANE Select); coding-DNA position 6000, one base deleted (C; older notation c.6000delC).
Protein change: p.Arg2001fs; shifts the reading frame from arginine 2001.
Molecular consequence: frameshift variant.
Genome position (GRCh38, 1-based): chr6:129,438,677, C deleted; the last of 2 consecutive C bases (chr6:129,438,676-129,438,677); deleting either gives the same sequence. VCF-style (leftmost placement, unchanged base first): chr6-129438675-AC-A. GRCh37 (hg19) VCF-style: chr6-129759820-AC-A.
Other names: c.6000del, p.Arg2001fs (NM_001079823.2); short protein forms R2001fs.
Identifiers: ClinVar variation 4293544 (VCV004293544.1).

ClinVar aggregate classification (germline): Pathogenic (1 of 4 stars; one submission).

Conditions:
Merosin deficient congenital muscular dystrophy (MDC1A). Also called: Congenital merosin-deficient muscular dystrophy 1A; Congenital Muscular Dystrophy Type 1A (MDC1A). Identifiers: Orphanet 258, MedGen C1263858, MONDO:0011925, OMIM 607855.

Submission:

3billion
Classification: Pathogenic for Merosin deficient congenital muscular dystrophy. Last evaluated: 2025-03-27. Review status: criteria provided, single submitter. Criteria: ACMG Guidelines, 2015. Collection method: clinical testing. Allele origin: germline. Affected: yes.
Comment: The variant is not observed in the gnomAD v4.1.0 dataset.Predicted Consequence/Location: Frameshift: predicted to result in a loss or disruption of normal protein function through nonsense-mediated decay (NMD) or protein truncation. Multiple pathogenic variants are reported downstream of the variant. The variant was homozygous. Therefore, this variant is classified as Pathogenic according to the recommendation of ACMG/AMP guideline.